The following is an entry in ClinVar:

NM_000282.4(PCCA):c.878A>G (p.Gln293Arg)

Gene: PCCA (propionyl-CoA carboxylase subunit alpha; plus strand). Cytogenetic location: 13q32.3.
Variant type: single nucleotide variant.
Coding change: c.878A>G on transcript NM_000282.4 (MANE Select); coding-DNA position 878, A replaced by G.
Protein change: p.Gln293Arg; replaces glutamine 293 with arginine.
Molecular consequence: missense variant. On other transcripts: 5 prime UTR variant (3), non-coding transcript variant (5).
Genome position (GRCh38, 1-based): chr13:100,268,747, A>G. VCF-style: chr13-100268747-A-G. GRCh37 (hg19) VCF-style: chr13-100921001-A-G.
Other names: c.800A>G, p.Gln267Arg (NM_001127692.3, NM_001352607.2, NM_001352608.2); c.878A>G, p.Gln293Arg (NM_001178004.2, NM_001352605.2, NM_001352606.2 and 1 more transcripts); c.-68A>G (NM_001352610.2, NM_001352611.2, NM_001352612.2); short protein forms Q293R, Q267R.
Identifiers: ClinVar variation 218252 (VCV000218252.15), dbSNP rs879253805, ClinGen allele CA10575828.

ClinVar aggregate classification (germline): Conflicting classifications of pathogenicity. Review status: criteria provided, conflicting classifications (1 of 4 stars). 6 submissions from 6 submitters: Pathogenic (2); Likely pathogenic (3); Uncertain significance (1). Last evaluated 2025-08-19.

Conditions:
Inborn genetic diseases. Identifiers: MedGen C0950123, MeSH D030342.
Propionic acidemia (PROP). Also called: GLYCINEMIA, KETOTIC; HYPERGLYCINEMIA WITH KETOACIDOSIS AND LEUKOPENIA; KETOTIC HYPERGLYCINEMIA. Identifiers: Orphanet 35, MedGen C0268579, MONDO:0011628, OMIM 606054, HP:0003571.

Allele frequency attached by ClinVar (database versions not stated): gnomAD exomes 0.00001.
gnomAD v4.1: 8 of 1,614,120 alleles (0.0005%); highest among the groups gnomAD compares: South Asian, 0.0077%; no homozygotes.

Submissions (6):

Natera, Inc.
Classification: Likely pathogenic for Propionic acidemia. Last evaluated: 2025-08-19. Review status: criteria provided, single submitter. Criteria: Natera Variant Classification Schema (03/2026). Collection method: clinical testing. Allele origin: germline.
Comment: The c.878A>G variant in PCCA is a missense variant predicted to cause substitution of glutamine to arginine at amino acid 293. This variant is rare in the general population with a frequency below the threshold expected for the associated phenotype(s). This variant has been observed in one or more individuals affected with the associated recessive disease, as either homozygous or compound heterozygous with a second variant (PMID: 23430860, 27227689). This variant has been identified in one or more affected individuals with a phenotype highly consistent with the associated gene (PMID: 23430860). Computational prediction algorithms indicate this variant is likely to affect gene or protein function. Given the available evidence, this variant is classified as Likely Pathogenic.

Women's Health and Genetics/Laboratory Corporation of America, LabCorp
Classification: Likely pathogenic for Propionic acidemia. Last evaluated: 2025-07-11. Review status: criteria provided, single submitter. Criteria: LabCorp Variant Classification Summary - May 2015. Collection method: clinical testing. Allele origin: germline.
Comment: Variant summary: PCCA c.878A>G (p.Gln293Arg) results in a conservative amino acid change located in the Carbamoyl-phosphate synthetase large subunit-like, ATP-binding domain (IPR005479) of the encoded protein sequence. Algorithms developed to predict the effect of missense changes on protein structure and function are either unavailable or do not agree on the potential impact of this missense change. The variant was absent in 251330 control chromosomes (gnomAD). c.878A>G has been observed in individuals affected with Propionic Acidemia (Lvesque_2011, Gupta_2016, Labcorp (formerly Invitae)). These data indicate that the variant is likely to be associated with disease. To our knowledge, no experimental evidence demonstrating an impact on protein function has been reported. The following publications have been ascertained in the context of this evaluation (PMID: 27227689, 23430860). ClinVar contains an entry for this variant (Variation ID: 218252). Based on the evidence outlined above, the variant was classified as likely pathogenic.

Labcorp Genetics (formerly Invitae), Labcorp
Classification: Pathogenic for Propionic acidemia. Last evaluated: 2024-08-16. Review status: criteria provided, single submitter. Criteria: Invitae Variant Classification Sherloc (09022015). Collection method: clinical testing. Allele origin: germline.
Comment: This sequence change replaces glutamine, which is neutral and polar, with arginine, which is basic and polar, at codon 293 of the PCCA protein (p.Gln293Arg). This variant is not present in population databases (gnomAD no frequency). This missense change has been observed in individual(s) with propionic acidemia (PMID: 23430860, 27227689; Invitae). ClinVar contains an entry for this variant (Variation ID: 218252). Invitae Evidence Modeling of protein sequence and biophysical properties (such as structural, functional, and spatial information, amino acid conservation, physicochemical variation, residue mobility, and thermodynamic stability) indicates that this missense variant is expected to disrupt PCCA protein function with a positive predictive value of 95%. This variant disrupts the p.Gln293 amino acid residue in PCCA. Other variant(s) that disrupt this residue have been observed in individuals with PCCA-related conditions (PMID: 15164333, 23430860, 27227689), which suggests that this may be a clinically significant amino acid residue. For these reasons, this variant has been classified as Pathogenic.

Fulgent Genetics
Classification: Likely pathogenic for Propionic acidemia. Last evaluated: 2024-02-13. Review status: criteria provided, single submitter. Criteria: ACMG Guidelines, 2015. Collection method: clinical testing. Allele origin: germline.

Ambry Genetics
Classification: Uncertain significance for Inborn genetic diseases. Last evaluated: 2021-03-25. Review status: criteria provided, single submitter. Criteria: Ambry Variant Classification Scheme 2023. Collection method: clinical testing. Allele origin: germline.

Institute of Medical Genetics and Genomics, Sir Ganga Ram Hospital
Classification: Pathogenic for Propionic Acidemia. Last evaluated: 2013-01-01. Review status: criteria provided, single submitter. Criteria: Gupta et al. (Genet Test Mol Biomarkers 2016). Collection method: research. Allele origin: germline. Affected: yes. Observed: 1 variant allele. Study: ORGANIC ACIDURIAS.
Comment: Missense mutation

Literature cited by the submitters: PubMed 23430860 (cited by 4 submitters); PubMed 27227689 (cited by 3 submitters); PubMed 15164333 (cited by Labcorp Genetics (formerly Invitae), Labcorp).